The following is an entry in ClinVar:

NM_138694.4(PKHD1):c.8028del (p.Pro2677fs)

Gene: PKHD1 (PKHD1 ciliary IPT domain containing fibrocystin/polyductin; minus strand). Cytogenetic location: 6p12.2.
Variant type: Deletion.
Coding change: c.8028del on transcript NM_138694.4 (MANE Select); coding-DNA position 8028, one base deleted (T; older notation c.8028delT).
Protein change: p.Pro2677fs; shifts the reading frame from proline 2677.
Molecular consequence: frameshift variant.
Genome position (GRCh38, 1-based): chr6:51,847,854, A deleted on the plus strand (T on the coding strand, the reverse complement: PKHD1 is on the minus strand); the first of 4 consecutive A bases (chr6:51,847,854-51,847,857); deleting any one gives the same sequence. VCF-style (leftmost placement, unchanged base first): chr6-51847853-GA-G. GRCh37 (hg19) VCF-style: chr6-51712651-GA-G.
Other names: c.8028del, p.Pro2677fs (NM_170724.3); short protein forms P2677fs.
Identifiers: ClinVar variation 1725900 (VCV001725900.2), dbSNP rs2535685512, ClinGen allele CA2578644978.
Genomic context (GRCh38, chr6:51,847,853, plus strand): 5'-TCAGCTGGCTATTGAAGAACCAGTCACAGCCTTGGTTCTGACCTGGTGATGGAAGAAATG[GA>G]AAAGACAGACCCACTCGACTCCCACATCTTAGGAGGATGTCAGGGTAAGGCGGCAAATCT-3'

ClinVar aggregate classification (germline): Likely pathogenic (1 of 4 stars; one submission).

Conditions:
Polycystic kidney disease 4 (PKD4). Also called: POLYCYSTIC KIDNEY AND HEPATIC DISEASE 1; POLYCYSTIC KIDNEY DISEASE, INFANTILE, TYPE I; POLYCYSTIC KIDNEY DISEASE 4 WITH OR WITHOUT POLYCYSTIC LIVER DISEASE; PKD3; Autosomal Recessive Polycystic Kidney Disease – PKHD1. Identifiers: MedGen C4540575, MONDO:0033004, OMIM 263200.

Submission:

Myriad Genetics, Inc.
Classification: Likely pathogenic for Polycystic kidney disease 4. Last evaluated: 2022-04-10. Review status: criteria provided, single submitter. Criteria: Myriad Women's Health Autosomal Recessive and X-Linked Classification Criteria (2021). Collection method: clinical testing. Allele origin: unknown.
Comment: NM_138694.3(PKHD1):c.8028delT(P2677Hfs*20) is expected to be pathogenic in the context of autosomal recessive polycystic kidney disease, PKHD1-related. This variant is predicted to lead to an abnormal or absent protein product due to the creation of a premature termination codon in PKHD1, a gene where loss-of-function variants are known to be pathogenic. Please note: this variant was assessed in the context of healthy population screening.